The following is an entry in ClinVar:

ClinVar aggregate classification (germline): Benign. Review status: criteria provided, single submitter (1 of 4 stars). 2 submissions from 2 submitters: Benign (1). 1 of the submissions does not count toward it. Last evaluated 2026-01-27.

Conditions:
Encephalopathy, acute, infection-induced (herpes-specific), susceptibility to, 6. Also called: Herpes simplex encephalitis, susceptibility to, 4. Identifiers: Orphanet 1930, MedGen C3553869, MONDO:0013921, OMIM 614850.
TICAM1-related disorder. Also called: TICAM1-related condition.

Allele frequency attached by ClinVar (database versions not stated): ExAC 0.00037; 1000 Genomes Project 30x 0.00078; gnomAD exomes 0.00010 and 0.00031; 1000 Genomes Project 0.00080; TOPMed 0.00127; ESP Exome Variant Server 0.00185; gnomAD 0.00140.
gnomAD v4.1: 335 of 1,607,704 alleles (0.021%); highest among the groups gnomAD compares: African/African-American, 0.37%; 2 homozygotes.

Submissions (2):

Labcorp Genetics (formerly Invitae), Labcorp
Classification: Benign for Encephalopathy, acute, infection-induced (herpes-specific), susceptibility to, 6. Last evaluated: 2026-01-27. Review status: criteria provided, single submitter. Criteria: Invitae Variant Classification Sherloc (09022015). Collection method: clinical testing. Allele origin: germline.

PreventionGenetics, part of Exact Sciences
Classification: Likely benign for TICAM1-related condition. Last evaluated: 2023-12-11. Review status: no assertion criteria provided. Collection method: clinical testing. Allele origin: germline. Not counted in ClinVar's aggregate classification.
Comment: This variant is classified as likely benign based on ACMG/AMP sequence variant interpretation guidelines (Richards et al. 2015 PMID: 25741868, with internal and published modifications).

NM_182919.4(TICAM1):c.306G>A (p.Leu102=)

Gene: TICAM1 (TIR domain containing adaptor molecule 1; minus strand). Cytogenetic location: 19p13.3.
Variant type: single nucleotide variant.
Coding change: c.306G>A on transcript NM_182919.4 (MANE Select); coding-DNA position 306, G replaced by A.
Protein change: p.Leu102=; no amino-acid change (leucine 102 retained).
Molecular consequence: synonymous variant. On other transcripts: intron variant (1).
Genome position (GRCh38, 1-based): chr19:4,818,072, C>T on the plus strand (G>A on the coding strand, the complement: TICAM1 is on the minus strand). VCF-style: chr19-4818072-C-T. GRCh37 (hg19) VCF-style: chr19-4818084-C-T.
Other names: c.264G>A, p.Leu88= (NM_001385678.1); c.171G>A, p.Leu57= (NM_001385679.1); c.-71-266G>A (NM_001385680.1).
Identifiers: ClinVar variation 540520 (VCV000540520.14), dbSNP rs11466720, ClinGen allele CA9105387.